The following is an entry in ClinVar:

ClinVar aggregate classification (germline): Benign (1 of 4 stars; one submission).

Conditions:
Weill-Marchesani 4 syndrome, recessive. Also called: Weill-Marchesani syndrome 4. Identifiers: Orphanet 363992, MedGen C2750787, MONDO:0013176, OMIM 613195.

Allele frequency attached by ClinVar (database versions not stated): gnomAD exomes 0.00077; gnomAD 0.02490 and 0.02686; 1000 Genomes Project 0.02516; 1000 Genomes Project 30x 0.02686; TOPMed 0.02893.
gnomAD v4.1: 3,748 of 154,996 alleles (2.4%); highest among the groups gnomAD compares: African/African-American, 8.5%; 163 homozygotes.

Submission:

Illumina Laboratory Services, Illumina
Classification: Benign for Weill-Marchesani 4 syndrome, recessive. Last evaluated: 2018-01-13. Review status: criteria provided, single submitter. Criteria: ICSL Variant Classification Criteria 13 December 2019. Collection method: clinical testing. Allele origin: germline.
Comment: This variant was observed in the ICSL laboratory as part of a predisposition screen in an ostensibly healthy population. It had not been previously curated by ICSL or reported in the Human Gene Mutation Database (HGMD: prior to June 1st, 2018), and was therefore a candidate for classification through an automated scoring system. Utilizing variant allele frequency, disease prevalence and penetrance estimates, and inheritance mode, an automated score was calculated to assess if this variant is too frequent to cause the disease. Based on the score and internal cut-off values, a variant classified as benign is not then subjected to further curation. The score for this variant resulted in a classification of benign for this disease.

NM_139057.4(ADAMTS17):c.*700G>A

Gene: ADAMTS17 (ADAM metallopeptidase with thrombospondin type 1 motif 17; minus strand). Cytogenetic location: 15q26.3.
Variant type: single nucleotide variant.
Coding change: c.*700G>A on transcript NM_139057.4 (MANE Select); 700 bases downstream of the stop codon, G replaced by A.
Molecular consequence: 3 prime UTR variant.
Genome position (GRCh38, 1-based): chr15:99,973,702, C>T on the plus strand (G>A on the coding strand, the complement: ADAMTS17 is on the minus strand). VCF-style: chr15-99973702-C-T. GRCh37 (hg19) VCF-style: chr15-100513907-C-T.
Identifiers: ClinVar variation 315216 (VCV000315216.5), dbSNP rs60022871, ClinGen allele CA10647668.
Genomic context (GRCh38, chr15:99,973,702, plus strand): 5'-CCTTCTGTTTCCCTACACGGTGGACAGCAGAGCTCTGAAAATTAGATGCTTCCCCAAACC[C>T]AGACTCTCTTGGAACATTCTTCCCATGCGGGTGGTATGAACTGCGTGGCACTGCTGTCCT-3'